The following is an entry in ClinVar:

NM_022765.4(MICAL1):c.2530G>A (p.Ala844Thr)

Gene: MICAL1 (microtubule associated monooxygenase, calponin and LIM domain containing 1; minus strand). Cytogenetic location: 6q21.
Variant type: single nucleotide variant.
Coding change: c.2530G>A on transcript NM_022765.4 (MANE Select); coding-DNA position 2530, G replaced by A.
Protein change: p.Ala844Thr; replaces alanine 844 with threonine.
Molecular consequence: missense variant.
Genome position (GRCh38, 1-based): chr6:109,446,187, C>T on the plus strand (G>A on the coding strand, the complement: MICAL1 is on the minus strand). VCF-style: chr6-109446187-C-T. GRCh37 (hg19) VCF-style: chr6-109767390-C-T.
Other names: c.2530G>A (NM_022765.3); c.2272G>A, p.Ala758Thr (NM_001159291.2); c.2587G>A, p.Ala863Thr (NM_001286613.2); short protein forms A844T, A758T, A863T.
Identifiers: ClinVar variation 2074281 (VCV002074281.7), dbSNP rs779062389, ClinGen allele CA3952864.

ClinVar aggregate classification (germline): Uncertain significance. Review status: criteria provided, multiple submitters, no conflicts (2 of 4 stars). 2 submissions from 2 submitters: Uncertain significance (2). Last evaluated 2025-08-23.

Allele frequency attached by ClinVar (database versions not stated): gnomAD 0.00001; TOPMed 0.00002; ExAC 0.00003.
gnomAD v4.1: 23 of 1,585,838 alleles (0.0015%); highest among the groups gnomAD compares: South Asian, 0.013%; no homozygotes.

Submissions (2):

Ambry Genetics
Classification: Uncertain significance. Last evaluated: 2025-08-23. Review status: criteria provided, single submitter. Criteria: Ambry Variant Classification Scheme 2023. Collection method: clinical testing. Allele origin: germline.

Labcorp Genetics (formerly Invitae), Labcorp
Classification: Uncertain significance. Last evaluated: 2025-05-22. Review status: criteria provided, single submitter. Criteria: Invitae Variant Classification Sherloc (09022015). Collection method: clinical testing. Allele origin: germline.
Comment: This sequence change replaces alanine, which is neutral and non-polar, with threonine, which is neutral and polar, at codon 863 of the MICAL1 protein (p.Ala863Thr). This variant is present in population databases (rs779062389, gnomAD 0.01%). This variant has not been reported in the literature in individuals affected with MICAL1-related conditions. ClinVar contains an entry for this variant (Variation ID: 2074281). An algorithm developed to predict the effect of missense changes on protein structure and function (PolyPhen-2) suggests that this variant is likely to be disruptive. In summary, the available evidence is currently insufficient to determine the role of this variant in disease. Therefore, it has been classified as a Variant of Uncertain Significance.